The following is an entry in ClinVar:

NM_001378457.1(DMXL2):c.252G>C (p.Glu84Asp)

Gene: DMXL2 (Dmx like 2; minus strand). Cytogenetic location: 15q21.2.
Variant type: single nucleotide variant.
Coding change: c.252G>C on transcript NM_001378457.1 (MANE Select); coding-DNA position 252, G replaced by C.
Protein change: p.Glu84Asp; replaces glutamic acid 84 with aspartic acid.
Molecular consequence: missense variant. On other transcripts: non-coding transcript variant (2).
Genome position (GRCh38, 1-based): chr15:51,568,520, C>G on the plus strand (G>C on the coding strand, the complement: DMXL2 is on the minus strand). VCF-style: chr15-51568520-C-G. GRCh37 (hg19) VCF-style: chr15-51860717-C-G.
Other names: c.252G>C, p.Glu84Asp (NM_001174116.3, NM_001174117.3, NM_001378458.1 and 7 more transcripts); c.252G>C (NM_001174116.1); short protein forms E84D.
Identifiers: ClinVar variation 2887245 (VCV002887245.3), dbSNP rs773322550, ClinGen allele CA392758257.

ClinVar aggregate classification (germline): Uncertain significance. Review status: criteria provided, multiple submitters, no conflicts (2 of 4 stars). 2 submissions from 2 submitters: Uncertain significance (2). Last evaluated 2025-03-25.

Allele frequency attached by ClinVar (database versions not stated): TOPMed 0.00001; gnomAD 0.00002.
gnomAD v4.1: 12 of 1,577,594 alleles (0.00076%); highest among the groups gnomAD compares: Non-Finnish European, 0.001%; no homozygotes.

Submissions (2):

GeneDx
Classification: Uncertain significance. Last evaluated: 2025-03-25. Review status: criteria provided, single submitter. Criteria: GeneDx Variant Classification Process June 2021. Collection method: clinical testing. Allele origin: germline. Affected: yes.
Comment: Not observed at significant frequency in large population cohorts (gnomAD); In silico analysis supports that this missense variant has a deleterious effect on protein structure/function; Has not been previously published as pathogenic or benign to our knowledge

Labcorp Genetics (formerly Invitae), Labcorp
Classification: Uncertain significance. Last evaluated: 2023-07-14. Review status: criteria provided, single submitter. Criteria: Invitae Variant Classification Sherloc (09022015). Collection method: clinical testing. Allele origin: germline.
Comment: An algorithm developed to predict the effect of missense changes on protein structure and function (PolyPhen-2) suggests that this variant is likely to be disruptive. In summary, the available evidence is currently insufficient to determine the role of this variant in disease. Therefore, it has been classified as a Variant of Uncertain Significance. This variant has not been reported in the literature in individuals affected with DMXL2-related conditions. This variant is present in population databases (no rsID available, gnomAD 0.0008%). This sequence change replaces glutamic acid, which is acidic and polar, with aspartic acid, which is acidic and polar, at codon 84 of the DMXL2 protein (p.Glu84Asp).